The following is an entry in ClinVar:

NM_004870.4(MPDU1):c.636G>C (p.Leu212=)

Gene: MPDU1 (mannose-P-dolichol utilization defect 1; plus strand). Cytogenetic location: 17p13.1.
Variant type: single nucleotide variant.
Coding change: c.636G>C on transcript NM_004870.4 (MANE Select); coding-DNA position 636, G replaced by C.
Protein change: p.Leu212=; no amino-acid change (leucine 212 retained).
Molecular consequence: synonymous variant. On other transcripts: stop lost (1), non-coding transcript variant (1).
Genome position (GRCh38, 1-based): chr17:7,587,443, G>C. VCF-style: chr17-7587443-G-C. GRCh37 (hg19) VCF-style: chr17-7490761-G-C.
Other names: c.578G>C, p.Ter193Ser (NM_001330073.1).
Identifiers: ClinVar variation 1628852 (VCV001628852.22), dbSNP rs148586387, ClinGen allele CA8353027.

ClinVar aggregate classification (germline): Likely benign. Review status: criteria provided, multiple submitters, no conflicts (2 of 4 stars). 2 submissions from 2 submitters: Likely benign (2). Last evaluated 2026-02-01.

Conditions:
MPDU1-congenital disorder of glycosylation. Also called: CONGENITAL DISORDER OF GLYCOSYLATION, TYPE If; CDG If; MPDU1-CDG. Identifiers: Orphanet 79323, MedGen C1836669, MONDO:0012211, OMIM 609180.

Allele frequency attached by ClinVar (database versions not stated): ExAC 0.00007; gnomAD 0.00007; ESP Exome Variant Server 0.00008; gnomAD exomes 0.00008; TOPMed 0.00008.
gnomAD v4.1: 85 of 1,613,852 alleles (0.0053%); highest among the groups gnomAD compares: Non-Finnish European, 0.0064%; no homozygotes.

Submissions (2):

CeGaT Center for Human Genetics Tuebingen
Classification: Likely benign. Last evaluated: 2026-02-01. Review status: criteria provided, single submitter. Criteria: CeGaT Center For Human Genetics Tuebingen Variant Classification Criteria Version 2. Collection method: clinical testing. Allele origin: germline. Affected: yes. Observed: 2 variant alleles.
Comment: MPDU1: BP4, BP7

Labcorp Genetics (formerly Invitae), Labcorp
Classification: Likely benign for MPDU1-congenital disorder of glycosylation. Last evaluated: 2025-06-23. Review status: criteria provided, single submitter. Criteria: Invitae Variant Classification Sherloc (09022015). Collection method: clinical testing. Allele origin: germline.